The following is an entry in ClinVar:

NM_001370259.2(MEN1):c.787C>G (p.Leu263Val)

Gene: MEN1 (menin 1; minus strand). Cytogenetic location: 11q13.1.
Variant type: single nucleotide variant.
Coding change: c.787C>G on transcript NM_001370259.2 (MANE Select); coding-DNA position 787, C replaced by G.
Protein change: p.Leu263Val; replaces leucine 263 with valine.
Molecular consequence: missense variant. On other transcripts: non-coding transcript variant (4).
Genome position (GRCh38, 1-based): chr11:64,807,216, G>C on the plus strand (C>G on the coding strand, the complement: MEN1 is on the minus strand). VCF-style: chr11-64807216-G-C. GRCh37 (hg19) VCF-style: chr11-64574688-G-C.
Other names: c.802C>G, p.Leu268Val (NM_001407145.1, NM_001407150.1, NM_000244.4 and 5 more transcripts); c.787C>G, p.Leu263Val (NM_001407146.1, NM_001407147.1, NM_001407152.1 and 7 more transcripts); c.682C>G, p.Leu228Val (NM_001407148.1, NM_001407149.1, NM_001407151.1 and 2 more transcripts); short protein forms L228V, L263V, L268V.
Identifiers: ClinVar variation 4859908 (VCV004859908.1).

ClinVar aggregate classification (germline): Uncertain significance (1 of 4 stars; one submission).

Conditions:
Hereditary cancer-predisposing syndrome. Also called: Neoplastic Syndromes, Hereditary; Tumor predisposition; Hereditary Cancer Syndrome; Hereditary neoplastic syndrome. Identifiers: Orphanet 140162, MedGen C0027672, MeSH D009386, MONDO:0015356.

Submission:

Ambry Genetics
Classification: Uncertain significance for Hereditary cancer-predisposing syndrome. Last evaluated: 2026-05-07. Review status: criteria provided, single submitter. Criteria: Ambry Variant Classification Scheme 2023. Collection method: clinical testing. Allele origin: germline.
Comment: The p.L263V variant (also known as c.787C>G), located in coding exon 4 of the MEN1 gene, results from a C to G substitution at nucleotide position 787. The leucine at codon 263 is replaced by valine, an amino acid with highly similar properties. This amino acid position is highly conserved in available vertebrate species. In addition, this alteration is predicted to be deleterious by in silico analysis. Based on the available evidence, the clinical significance of this variant remains unclear.